The following is an entry in ClinVar:

NM_000342.4(SLC4A1):c.1805_1832del (p.Arg602fs)

Gene: SLC4A1 (solute carrier family 4 member 1 (Diego blood group); minus strand). Cytogenetic location: 17q21.31.
Variant type: Deletion.
Coding change: c.1805_1832del on transcript NM_000342.4 (MANE Select); coding-DNA positions 1805 to 1832, 28 bases deleted (GTCGGGTCATCGGGGACTTCGGGGTCCC).
Protein change: p.Arg602fs; shifts the reading frame from arginine 602.
Molecular consequence: frameshift variant.
Genome position (GRCh38, 1-based): chr17:44,255,265-44,255,292, GGGACCCCGAAGTCCCCGATGACCCGAC deleted on the plus strand (GTCGGGTCATCGGGGACTTCGGGGTCCC on the coding strand, the reverse complement: SLC4A1 is on the minus strand); deleting any 28 consecutive bases within chr17:44,255,265-44,255,293 gives the same sequence; the c. name uses the placement nearest the transcript's 3' end. VCF-style (leftmost placement, unchanged base first): chr17-44255264-GGGGACCCCGAAGTCCCCGATGACCCGAC-G. GRCh37 (hg19) VCF-style: chr17-42332632-GGGGACCCCGAAGTCCCCGATGACCCGAC-G.
Other names: c.1804_1831del (NM_000342.4); short protein forms R602fs.
Identifiers: ClinVar variation 4533260 (VCV004533260.1).

ClinVar aggregate classification (germline): Pathogenic (1 of 4 stars; one submission).

Conditions:
Inherited distal renal tubular acidosis. Also called: Hereditary Distal Renal Tubular Acidosis. Identifiers: MedGen CN380239, MONDO:1060161.

Submission:

Clinical Genetics and Genomics Laboratory, Noor Shahriyar Hospital
Classification: Pathogenic for Inherited distal renal tubular acidosis. Last evaluated: 2015-05-05. Review status: criteria provided, single submitter. Criteria: ACMG Guidelines, 2015. Collection method: clinical testing. Allele origin: biparental. Affected: yes.
Comment: The NM_000342.4(kAE1):c.1804_1831del, is a nonsense variant in SLC4A1 which is predicted to result in dRTA1 due to a premature stop codon at position 607, and likely results in an absent or disrupted protein product (2015 ACMG guidelines).

Literature cited by the submitters: PubMed 25957428.